The following is an entry in ClinVar:

ClinVar aggregate classification (germline): Uncertain significance (1 of 4 stars; one submission).

gnomAD v4.1: 1 of 1,611,642 alleles (0.000062%); no homozygotes.

Submission:

Labcorp Genetics (formerly Invitae), Labcorp
Classification: Uncertain significance. Last evaluated: 2022-03-02. Review status: criteria provided, single submitter. Criteria: Invitae Variant Classification Sherloc (09022015). Collection method: clinical testing. Allele origin: germline.
Comment: In summary, the available evidence is currently insufficient to determine the role of this variant in disease. Therefore, it has been classified as a Variant of Uncertain Significance. Algorithms developed to predict the effect of sequence changes on RNA splicing suggest that this variant may create or strengthen a splice site. This variant has not been reported in the literature in individuals affected with MSH3-related conditions. This variant is present in population databases (no rsID available, gnomAD 0.004%). This sequence change affects codon 639 of the MSH3 mRNA. It is a 'silent' change, meaning that it does not change the encoded amino acid sequence of the MSH3 protein.

NM_002439.5(MSH3):c.1917C>T (p.Phe639=)

Gene: MSH3 (mutS homolog 3; plus strand). Cytogenetic location: 5q14.1.
Variant type: single nucleotide variant.
Coding change: c.1917C>T on transcript NM_002439.5 (MANE Select); coding-DNA position 1917, C replaced by T.
Protein change: p.Phe639=; no amino-acid change (phenylalanine 639 retained).
Molecular consequence: synonymous variant.
Genome position (GRCh38, 1-based): chr5:80,767,953, C>T. VCF-style: chr5-80767953-C-T. GRCh37 (hg19) VCF-style: chr5-80063772-C-T.
Identifiers: ClinVar variation 2105702 (VCV002105702.4), dbSNP rs773818431, ClinGen allele CA445162901.